The following is an entry in ClinVar:

NM_000059.4(BRCA2):c.9035C>A (p.Ala3012Glu)

Gene: BRCA2 (BRCA2 DNA repair associated; plus strand). Cytogenetic location: 13q13.1.
Variant type: single nucleotide variant.
Coding change: c.9035C>A on transcript NM_000059.4 (MANE Select); coding-DNA position 9035, C replaced by A.
Protein change: p.Ala3012Glu; replaces alanine 3012 with glutamic acid.
Molecular consequence: missense variant.
Genome position (GRCh38, 1-based): chr13:32,379,831, C>A. VCF-style: chr13-32379831-C-A. GRCh37 (hg19) VCF-style: chr13-32953968-C-A.
Other names: short protein forms A3012E.
Identifiers: ClinVar variation 409530 (VCV000409530.13), dbSNP rs768335521, ClinGen allele CA6941329.
Genomic context (GRCh38, chr13:32,379,831, plus strand): 5'-CATCATCAGATTTATATTCTCTGTTAACAGAAGGAAAGAGATACAGAATTTATCATCTTG[C>A]AACTTCAAAATCTAAAAGTAAATCTGAAAGAGCTAACATACAGTTAGCAGCGACAAAAAA-3'
Protein context (NP_000050.3, residues 3002-3022): EGKRYRIYHL[Ala3012Glu]TSKSKSKSER

ClinVar aggregate classification (germline): Uncertain significance. Review status: criteria provided, multiple submitters, no conflicts (2 of 4 stars). 2 submissions from 2 submitters: Uncertain significance (2). Last evaluated 2024-10-25.

Conditions:
Hereditary breast ovarian cancer syndrome. Also called: Hereditary breast and ovarian cancer syndrome; Hereditary breast and/or ovarian cancer syndrome; BRCA1- and BRCA2-Associated Hereditary Breast and Ovarian Cancer; Hereditary breast and ovarian cancer syndrome (HBOC); Hereditary breast and ovarian cancer; Breast and ovarian cancer. Identifiers: Orphanet 145, MedGen C0677776, MeSH D061325, MONDO:0003582. Disease mechanism: loss of function.
Breast-ovarian cancer, familial, susceptibility to, 2 (BROVCA2). Also called: BRCA2 Hereditary Breast and Ovarian Cancer. Identifiers: Orphanet 145, MedGen C2675520, MONDO:0012933, OMIM 612555. Disease mechanism: loss of function.

Allele frequency attached by ClinVar (database versions not stated): gnomAD exomes below 0.00001; ExAC 0.00001.
gnomAD v4.1: 2 of 1,613,160 alleles (0.00012%); highest among the groups gnomAD compares: Non-Finnish European, 0.00017%; no homozygotes.

Submissions (2):

Molecular Pathology, Peter Maccallum Cancer Centre
Classification: Uncertain significance for Breast-ovarian cancer, familial, susceptibility to, 2. Last evaluated: 2024-10-25. Review status: criteria provided, single submitter. Criteria: ACMG Guidelines, 2015. Collection method: clinical testing. Allele origin: germline. Inheritance: Autosomal dominant inheritance.

Labcorp Genetics (formerly Invitae), Labcorp
Classification: Uncertain significance for Hereditary breast ovarian cancer syndrome. Last evaluated: 2022-08-31. Review status: criteria provided, single submitter. Criteria: Invitae Variant Classification Sherloc (09022015). Collection method: clinical testing. Allele origin: germline.
Comment: This sequence change replaces alanine, which is neutral and non-polar, with glutamic acid, which is acidic and polar, at codon 3012 of the BRCA2 protein (p.Ala3012Glu). This variant is present in population databases (rs768335521, gnomAD 0.0009%). This variant has not been reported in the literature in individuals affected with BRCA2-related conditions. ClinVar contains an entry for this variant (Variation ID: 409530). Advanced modeling of protein sequence and biophysical properties (such as structural, functional, and spatial information, amino acid conservation, physicochemical variation, residue mobility, and thermodynamic stability) performed at Invitae indicates that this missense variant is not expected to disrupt BRCA2 protein function. In summary, the available evidence is currently insufficient to determine the role of this variant in disease. Therefore, it has been classified as a Variant of Uncertain Significance.